The following is an entry in ClinVar:

ClinVar aggregate classification (germline): Uncertain significance (1 of 4 stars; one submission).

Conditions:
Familial hemophagocytic lymphohistiocytosis 3 (FHL3). Also called: UNC13D-Related Familial Hemophagocytic Lymphohistiocytosis (UNC13D-fHLH). Identifiers: Orphanet 540, MedGen C1837174, MONDO:0012146, OMIM 608898.

Allele frequency attached by ClinVar (database versions not stated): gnomAD exomes 0.00001 and below 0.00001; TOPMed 0.00001; gnomAD 0.00001.
gnomAD v4.1: 6 of 1,611,938 alleles (0.00037%); highest among the groups gnomAD compares: Non-Finnish European, 0.00042%; no homozygotes.

Submission:

Labcorp Genetics (formerly Invitae), Labcorp
Classification: Uncertain significance for Familial hemophagocytic lymphohistiocytosis 3. Last evaluated: 2020-06-16. Review status: criteria provided, single submitter. Criteria: Invitae Variant Classification Sherloc (09022015). Collection method: clinical testing. Allele origin: germline.
Comment: In summary, the available evidence is currently insufficient to determine the role of this variant in disease. Therefore, it has been classified as a Variant of Uncertain Significance. Algorithms developed to predict the effect of missense changes on protein structure and function are either unavailable or do not agree on the potential impact of this missense change (SIFT: "Not Available"; PolyPhen-2: "Benign"; Align-GVGD: "Not Available"). This variant has not been reported in the literature in individuals with UNC13D-related conditions. This variant is not present in population databases (ExAC no frequency). This sequence change replaces methionine with lysine at codon 614 of the UNC13D protein (p.Met614Lys). The methionine residue is moderately conserved and there is a moderate physicochemical difference between methionine and lysine.

NM_199242.3(UNC13D):c.1841T>A (p.Met614Lys)

Gene: UNC13D (unc-13 homolog D; minus strand). Cytogenetic location: 17q25.1.
Variant type: single nucleotide variant.
Coding change: c.1841T>A on transcript NM_199242.3 (MANE Select); coding-DNA position 1841, T replaced by A.
Protein change: p.Met614Lys; replaces methionine 614 with lysine.
Molecular consequence: missense variant.
Genome position (GRCh38, 1-based): chr17:75,835,416, A>T on the plus strand (T>A on the coding strand, the complement: UNC13D is on the minus strand). VCF-style: chr17-75835416-A-T. GRCh37 (hg19) VCF-style: chr17-73831497-A-T.
Other names: short protein forms M614K.
Identifiers: ClinVar variation 1025783 (VCV001025783.6), dbSNP rs139282207, ClinGen allele CA401092103.